The following is an entry in ClinVar:

ClinVar aggregate classification (germline): Benign. Review status: criteria provided, multiple submitters, no conflicts (2 of 4 stars). 5 submissions from 5 submitters: Benign (5). Last evaluated 2026-02-04.

Conditions:
Immunodeficiency 27A (IMD27A). Also called: IMMUNODEFICIENCY 27A, MYCOBACTERIOSIS, AUTOSOMAL RECESSIVE; IFNGR1 DEFICIENCY, AUTOSOMAL RECESSIVE. Identifiers: Orphanet 319569, Orphanet 99898, MedGen C4011949, MONDO:0008856, OMIM 209950.
Disseminated atypical mycobacterial infection. Identifiers: MedGen C0694566.

Allele frequency attached by ClinVar (database versions not stated): 1000 Genomes Project 0.09405; 1000 Genomes Project 30x 0.09666; gnomAD 0.12380 and 0.12487; TOPMed 0.12389; ESP Exome Variant Server 0.12863.
gnomAD v4.1: 237,478 of 1,614,050 alleles (15%); highest among the groups gnomAD compares: Middle Eastern, 18%; 18,538 homozygotes.

Submissions (5):

Labcorp Genetics (formerly Invitae), Labcorp
Classification: Benign for Disseminated atypical mycobacterial infection. Last evaluated: 2026-02-04. Review status: criteria provided, single submitter. Criteria: Invitae Variant Classification Sherloc (09022015). Collection method: clinical testing. Allele origin: germline.

Unidad de Genómica Garrahan, Hospital de Pediatría Garrahan
Classification: Benign. Last evaluated: 2024-01-24. Review status: criteria provided, single submitter. Criteria: ACMG Guidelines, 2015. Collection method: clinical testing. Allele origin: germline. Affected: no. Observed: 20 variant alleles.
Comment: This variant is classified as Benign based on local population frequency. This variant was detected in 23% of patients studied by a panel of primary immunodeficiencies. Number of patients: 20. Only high quality variants are reported.

Mayo Clinic Laboratories, Mayo Clinic
Classification: Benign. Last evaluated: 2022-09-06. Review status: criteria provided, single submitter. Criteria: ACMG Guidelines, 2015. Collection method: clinical testing. Allele origin: germline. Observed: 4 variant alleles.

Illumina Laboratory Services, Illumina
Classification: Benign for Immunodeficiency 27A. Last evaluated: 2018-01-13. Review status: criteria provided, single submitter. Criteria: ICSL Variant Classification Criteria 13 December 2019. Collection method: clinical testing. Allele origin: germline.
Comment: This variant was observed in the ICSL laboratory as part of a predisposition screen in an ostensibly healthy population. It had not been previously curated by ICSL or reported in the Human Gene Mutation Database (HGMD: prior to June 1st, 2018), and was therefore a candidate for classification through an automated scoring system. Utilizing variant allele frequency, disease prevalence and penetrance estimates, and inheritance mode, an automated score was calculated to assess if this variant is too frequent to cause the disease. Based on the score and internal cut-off values, a variant classified as benign is not then subjected to further curation. The score for this variant resulted in a classification of benign for this disease.

Laboratory for Molecular Medicine, Mass General Brigham Personalized Medicine
Classification: Benign. Last evaluated: 2016-03-28. Review status: criteria provided, single submitter. Criteria: LMM Criteria. Collection method: clinical testing. Allele origin: germline.
Comment: Variant identified in a genome or exome case(s) and assessed due to predicted null impact of the variant or pathogenic assertions in the literature or databases. Disclaimer: This variant has not undergone full assessment. The following are preliminary notes: MAF

NM_000416.3(IFNGR1):c.1050T>G (p.Ser350=)

Gene: IFNGR1 (interferon gamma receptor 1; minus strand). Cytogenetic location: 6q23.3.
Variant type: single nucleotide variant.
Coding change: c.1050T>G on transcript NM_000416.3 (MANE Select); coding-DNA position 1050, T replaced by G.
Protein change: p.Ser350=; no amino-acid change (serine 350 retained).
Molecular consequence: synonymous variant.
Genome position (GRCh38, 1-based): chr6:137,198,451, A>C on the plus strand (T>G on the coding strand, the complement: IFNGR1 is on the minus strand). VCF-style: chr6-137198451-A-C. GRCh37 (hg19) VCF-style: chr6-137519588-A-C.
Other names: p.Ser350=; c.1020T>G, p.Ser340= (NM_001363526.1); c.927T>G, p.Ser309= (NM_001363527.1).
Identifiers: ClinVar variation 355554 (VCV000355554.20), dbSNP rs11914, ClinGen allele CA4018821.